The following is an entry in ClinVar:

NM_020964.3(EPG5):c.4665del (p.Glu1555fs)

Gene: EPG5 (ectopic P-granules 5 autophagy tethering factor; minus strand). Cytogenetic location: 18q12.3.
Variant type: Deletion.
Coding change: c.4665del on transcript NM_020964.3 (MANE Select); coding-DNA position 4665, one base deleted (A; older notation c.4665delA).
Protein change: p.Glu1555fs; shifts the reading frame from glutamic acid 1555.
Molecular consequence: frameshift variant.
Genome position (GRCh38, 1-based): chr18:45,899,548, T deleted on the plus strand (A on the coding strand, the reverse complement: EPG5 is on the minus strand); the first of 2 consecutive T bases (chr18:45,899,548-45,899,549); deleting either gives the same sequence. VCF-style (leftmost placement, unchanged base first): chr18-45899547-AT-A. GRCh37 (hg19) VCF-style: chr18-43479512-AT-A.
Other names: c.4665del, p.Glu1555fs (LRG_1234t1); short protein forms E1555fs.
Identifiers: ClinVar variation 375296 (VCV000375296.3), dbSNP rs1057519318, ClinGen allele CA16044048.

ClinVar aggregate classification (germline): Likely pathogenic (1 of 4 stars; one submission).

Conditions:
Vici syndrome (VICIS). Identifiers: Orphanet 1493, MedGen C1855772, MONDO:0009452, OMIM 242840.

Submission:

Diagnostics Division, CENTRE FOR DNA FINGERPRINTING AND DIAGNOSTICS
Classification: Likely pathogenic for Vici syndrome. Last evaluated: 2016-01-01. Review status: criteria provided, single submitter. Criteria: ACMG Guidelines, 2015. Collection method: research. Allele origin: germline. Affected: yes. Observed: 1 homozygote.
Comment: Indel variant